The following is an entry in ClinVar:

ClinVar aggregate classification (germline): Uncertain significance. Review status: criteria provided, multiple submitters, no conflicts (2 of 4 stars). 2 submissions from 2 submitters: Uncertain significance (2). Last evaluated 2022-09-27.

Conditions:
Paramyotonia congenita of Von Eulenburg. Also called: PARALYSIS PERIODICA PARAMYOTONICA; Paramyotonia Congenita; Eulenburg disease; Myotonia congenita intermittens; Von Eulenburg paramyotonia congenita. Identifiers: Orphanet 684, MedGen C0221055, MONDO:0008195, OMIM 168300. Disease mechanism: loss of function.
Congenital myasthenic syndrome 16. Identifiers: Orphanet 590, MedGen C3280112, MONDO:0013620, OMIM 614198.
Hypokalemic periodic paralysis, type 1. Also called: Hypokalemic Periodic Paralysis Type 1 (AD); HypoPP. Identifiers: Orphanet 681, MedGen C3714580, MONDO:0042979, OMIM 170400.
Potassium-aggravated myotonia. Also called: MYOTONIA CONGENITA, ACETAZOLAMIDE-RESPONSIVE; MYOTONIA CONGENITA, ATYPICAL; SODIUM CHANNEL MUSCLE DISEASE; Myotonia congenita, atypical, acetazolamide-responsive. Identifiers: Orphanet 612, Orphanet 99734, Orphanet 99735, Orphanet 99736, MedGen C2931826, MONDO:0018959, OMIM 608390.
Hypokalemic periodic paralysis, type 2 (HOKPP2). Identifiers: Orphanet 681, MedGen C2750061, MONDO:0013234, OMIM 613345.
Hyperkalemic periodic paralysis. Also called: Familial hyperkalemic periodic paralysis; Gamstorp disease. Identifiers: Orphanet 682, MedGen C0238357, MONDO:0008224, OMIM 170500, HP:0007215.

Allele frequency attached by ClinVar (database versions not stated): TOPMed 0.00001; gnomAD exomes 0.00002 and 0.00008; ExAC 0.00014; gnomAD 0.00001.
gnomAD v4.1: 31 of 1,613,812 alleles (0.0019%); highest among the groups gnomAD compares: East Asian, 0.0022%; no homozygotes.

Submissions (2):

Labcorp Genetics (formerly Invitae), Labcorp
Classification: Uncertain significance for Hyperkalemic periodic paralysis. Last evaluated: 2022-09-27. Review status: criteria provided, single submitter. Criteria: Invitae Variant Classification Sherloc (09022015). Collection method: clinical testing. Allele origin: germline.
Comment: In summary, the available evidence is currently insufficient to determine the role of this variant in disease. Therefore, it has been classified as a Variant of Uncertain Significance. Advanced modeling of protein sequence and biophysical properties (such as structural, functional, and spatial information, amino acid conservation, physicochemical variation, residue mobility, and thermodynamic stability) has been performed at Invitae for this missense variant, however the output from this modeling did not meet the statistical confidence thresholds required to predict the impact of this variant on SCN4A protein function. ClinVar contains an entry for this variant (Variation ID: 1373900). This variant has not been reported in the literature in individuals affected with SCN4A-related conditions. This variant is present in population databases (rs770063781, gnomAD 0.02%). This sequence change replaces serine, which is neutral and polar, with phenylalanine, which is neutral and non-polar, at codon 1746 of the SCN4A protein (p.Ser1746Phe).

Fulgent Genetics
Classification: Uncertain significance for Paramyotonia congenita of Von Eulenburg; Hypokalemic periodic paralysis, type 1; Hyperkalemic periodic paralysis; Potassium-aggravated myotonia; Hypokalemic periodic paralysis, type 2; Congenital myasthenic syndrome 16. Last evaluated: 2022-04-15. Review status: criteria provided, single submitter. Criteria: ACMG Guidelines, 2015. Collection method: clinical testing. Allele origin: unknown.

NM_000334.4(SCN4A):c.5237C>T (p.Ser1746Phe)

Genes: GH-LCR (growth hormone locus control region; plus strand), SCN4A (sodium voltage-gated channel alpha subunit 4; minus strand). Cytogenetic location: 17q23.3.
Variant type: single nucleotide variant.
Coding change: c.5237C>T on transcript NM_000334.4 (MANE Select); coding-DNA position 5237, C replaced by T.
Protein change: p.Ser1746Phe; replaces serine 1746 with phenylalanine.
Molecular consequence: missense variant.
Genome position (GRCh38, 1-based): chr17:63,941,045, G>A on the plus strand (C>T on the coding strand, the complement: SCN4A is on the minus strand). VCF-style: chr17-63941045-G-A. GRCh37 (hg19) VCF-style: chr17-62018405-G-A.
Other names: short protein forms S1746F.
Identifiers: ClinVar variation 1373900 (VCV001373900.7), dbSNP rs770063781, ClinGen allele CA8708805.